The following is an entry in ClinVar:

NM_001365088.1(SLC12A6):c.935C>G (p.Ala312Gly)

Gene: SLC12A6 (solute carrier family 12 member 6; minus strand). Cytogenetic location: 15q14.
Variant type: single nucleotide variant.
Coding change: c.935C>G on transcript NM_001365088.1 (MANE Select); coding-DNA position 935, C replaced by G.
Protein change: p.Ala312Gly; replaces alanine 312 with glycine.
Molecular consequence: missense variant.
Genome position (GRCh38, 1-based): chr15:34,254,531, G>C on the plus strand (C>G on the coding strand, the complement: SLC12A6 is on the minus strand). VCF-style: chr15-34254531-G-C. GRCh37 (hg19) VCF-style: chr15-34546732-G-C.
Other names: c.782C>G, p.Ala261Gly (NM_005135.2); c.935C>G, p.Ala312Gly (NM_133647.2); c.758C>G, p.Ala253Gly (NM_001042494.2, NM_001042495.2); c.908C>G, p.Ala303Gly (NM_001042496.2); c.890C>G, p.Ala297Gly (NM_001042497.2); short protein forms A253G, A303G, A297G, A261G, A312G.
Identifiers: ClinVar variation 1378857 (VCV001378857.6), dbSNP rs1892614325, ClinGen allele CA391609518.

ClinVar aggregate classification (germline): Uncertain significance (1 of 4 stars; one submission).

Submission:

Labcorp Genetics (formerly Invitae), Labcorp
Classification: Uncertain significance. Last evaluated: 2021-11-08. Review status: criteria provided, single submitter. Criteria: Invitae Variant Classification Sherloc (09022015). Collection method: clinical testing. Allele origin: germline.
Comment: In summary, the available evidence is currently insufficient to determine the role of this variant in disease. Therefore, it has been classified as a Variant of Uncertain Significance. This sequence change replaces alanine, which is neutral and non-polar, with glycine, which is neutral and non-polar, at codon 312 of the SLC12A6 protein (p.Ala312Gly). This variant is not present in population databases (gnomAD no frequency). This variant has not been reported in the literature in individuals affected with SLC12A6-related conditions. Advanced modeling of protein sequence and biophysical properties (such as structural, functional, and spatial information, amino acid conservation, physicochemical variation, residue mobility, and thermodynamic stability) performed at Invitae indicates that this missense variant is not expected to disrupt SLC12A6 protein function.